The following is an entry in ClinVar:

NM_015909.4(NBAS):c.2803A>G (p.Met935Val)

Gene: NBAS (NBAS subunit of NRZ tethering complex; minus strand). Cytogenetic location: 2p24.3.
Variant type: single nucleotide variant.
Coding change: c.2803A>G on transcript NM_015909.4 (MANE Select); coding-DNA position 2803, A replaced by G.
Protein change: p.Met935Val; replaces methionine 935 with valine.
Molecular consequence: missense variant. On other transcripts: non-coding transcript variant (1).
Genome position (GRCh38, 1-based): chr2:15,415,680, T>C on the plus strand (A>G on the coding strand, the complement: NBAS is on the minus strand). VCF-style: chr2-15415680-T-C. GRCh37 (hg19) VCF-style: chr2-15555804-T-C.
Other names: short protein forms M935V.
Identifiers: ClinVar variation 1524582 (VCV001524582.4), dbSNP rs2148459486, ClinGen allele CA345885828.

ClinVar aggregate classification (germline): Uncertain significance (1 of 4 stars; one submission).

gnomAD v4.1: 2 of 1,614,176 alleles (0.00012%); highest among the groups gnomAD compares: Non-Finnish European, 0.00017%; no homozygotes.

Submission:

Labcorp Genetics (formerly Invitae), Labcorp
Classification: Uncertain significance. Last evaluated: 2022-05-20. Review status: criteria provided, single submitter. Criteria: Invitae Variant Classification Sherloc (09022015). Collection method: clinical testing. Allele origin: germline.
Comment: In summary, the available evidence is currently insufficient to determine the role of this variant in disease. Therefore, it has been classified as a Variant of Uncertain Significance. Algorithms developed to predict the effect of missense changes on protein structure and function are either unavailable or do not agree on the potential impact of this missense change (SIFT: "Deleterious"; PolyPhen-2: "Benign"; Align-GVGD: "Class C15"). This variant has not been reported in the literature in individuals affected with NBAS-related conditions. This variant is not present in population databases (gnomAD no frequency). This sequence change replaces methionine, which is neutral and non-polar, with valine, which is neutral and non-polar, at codon 935 of the NBAS protein (p.Met935Val).